The following is an entry in ClinVar:

NM_000260.4(MYO7A):c.1691-4G>A

Gene: MYO7A (myosin VIIA; plus strand). Cytogenetic location: 11q13.5.
Variant type: single nucleotide variant.
Coding change: c.1691-4G>A on transcript NM_000260.4 (MANE Select); 4 bases into the intron before coding-DNA position 1691, G replaced by A.
Molecular consequence: intron variant.
Genome position (GRCh38, 1-based): chr11:77,166,052, G>A. VCF-style: chr11-77166052-G-A. GRCh37 (hg19) VCF-style: chr11-76877098-G-A.
Other names: c.1658-4G>A (NM_001369365.1); c.1691-4G>A (NM_001127180.2).
Identifiers: ClinVar variation 766590 (VCV000766590.11), dbSNP rs200382919, ClinGen allele CA6197572.

ClinVar aggregate classification (germline): Conflicting classifications of pathogenicity. Review status: criteria provided, conflicting classifications (1 of 4 stars). 2 submissions from 2 submitters: Uncertain significance (1); Likely benign (1). Last evaluated 2025-03-13.

Allele frequency attached by ClinVar (database versions not stated): TOPMed below 0.00001; gnomAD 0.00001; gnomAD exomes 0.00001; ExAC 0.00003.
gnomAD v4.1: 12 of 1,612,352 alleles (0.00074%); highest among the groups gnomAD compares: Middle Eastern, 0.016%; no homozygotes.

Submissions (2):

GeneDx
Classification: Uncertain significance. Last evaluated: 2025-03-13. Review status: criteria provided, single submitter. Criteria: GeneDx Variant Classification Process June 2021. Collection method: clinical testing. Allele origin: germline. Affected: yes.
Comment: In silico analysis indicates that this variant does not alter splicing; This variant is associated with the following publications: (PMID: 34426522, 27460420)

Labcorp Genetics (formerly Invitae), Labcorp
Classification: Likely benign. Last evaluated: 2024-09-05. Review status: criteria provided, single submitter. Criteria: Invitae Variant Classification Sherloc (09022015). Collection method: clinical testing. Allele origin: germline.